The following is an entry in ClinVar:

ClinVar aggregate classification (germline): Conflicting classifications of pathogenicity. Review status: criteria provided, conflicting classifications (1 of 4 stars). 9 submissions from 9 submitters: Uncertain significance (1); Likely benign (5). 3 of the submissions do not count toward it. Last evaluated 2026-10-01.

Conditions:
Inborn genetic diseases. Identifiers: MedGen C0950123, MeSH D030342.
DOCK2-related disorder. Also called: DOCK2-related condition.
DOCK2 deficiency. Also called: Immunodeficiency 40. Identifiers: Orphanet 447737, MedGen C4225328, MONDO:0014637, OMIM 616433.

Allele frequency attached by ClinVar (database versions not stated): ExAC 0.00100; gnomAD exomes 0.00122; ESP Exome Variant Server 0.00169; 1000 Genomes Project 30x 0.00172; 1000 Genomes Project 0.00180; gnomAD 0.00218 and 0.00226; TOPMed 0.00260.
gnomAD v4.1: 1,791 of 1,614,204 alleles (0.11%); highest among the groups gnomAD compares: Middle Eastern, 0.78%; 5 homozygotes.

Submissions (9):

CeGaT Center for Human Genetics Tuebingen
Classification: Likely benign. Last evaluated: 2026-10-01. Review status: criteria provided, single submitter. Criteria: CeGaT Center For Human Genetics Tuebingen Variant Classification Criteria Version 2. Collection method: clinical testing. Allele origin: germline. Affected: yes. Observed: 2 variant alleles.
Comment: DOCK2: PP2, BP4, BS2

Women's Health and Genetics/Laboratory Corporation of America, LabCorp
Classification: Likely benign. Last evaluated: 2026-04-01. Review status: criteria provided, single submitter. Criteria: LabCorp Variant Classification Summary - May 2015. Collection method: clinical testing. Allele origin: germline.
Comment: Variant summary: DOCK2 c.90G>C (p.Gln30His) results in a non-conservative amino acid change in the encoded protein sequence. Algorithms developed to predict the effect of missense changes on protein structure and function are either unavailable or do not agree on the potential impact of this missense change. The variant allele was found at a frequency of 0.0012 in 251416 control chromosomes, predominantly at a frequency of 0.0044 within the African or African-American subpopulation in the gnomAD database, including 1 homozygote. The observed variant frequency within African or African-American control individuals in the gnomAD database exceeds the estimated maximal expected allele frequency for disease-causing variants in DOCK2. To our knowledge, no occurrence of c.90G>C in individuals affected with DOCK2-related conditions and no experimental evidence demonstrating its impact on protein function have been reported. ClinVar contains an entry for this variant (Variation ID: 542623). Based on the evidence outlined above, the variant was classified as likely benign.

Labcorp Genetics (formerly Invitae), Labcorp
Classification: Likely benign for DOCK2 deficiency. Last evaluated: 2026-01-16. Review status: criteria provided, single submitter. Criteria: Invitae Variant Classification Sherloc (09022015). Collection method: clinical testing. Allele origin: germline.

Ambry Genetics
Classification: Uncertain significance for Inborn genetic diseases. Last evaluated: 2025-08-03. Review status: criteria provided, single submitter. Criteria: Ambry Variant Classification Scheme 2023. Collection method: clinical testing. Allele origin: germline.

Blueprint Genetics
Classification: Likely benign. Last evaluated: 2024-11-22. Review status: criteria provided, single submitter. Criteria: ACMG Guidelines, 2015. Collection method: clinical testing. Allele origin: germline.

Breakthrough Genomics
Classification: Likely benign. Review status: criteria provided, single submitter. Criteria: ACMG Guidelines, 2015. Collection method: not provided. Allele origin: germline. Inheritance: Autosomal recessive inheritance. Affected: yes.

PreventionGenetics, part of Exact Sciences
Classification: Likely benign for DOCK2-related condition. Last evaluated: 2021-06-15. Review status: no assertion criteria provided. Collection method: clinical testing. Allele origin: germline. Not counted in ClinVar's aggregate classification.
Comment: This variant is classified as likely benign based on ACMG/AMP sequence variant interpretation guidelines (Richards et al. 2015 PMID: 25741868, with internal and published modifications).

Clinical Genetics DNA and cytogenetics Diagnostics Lab, Erasmus MC, Erasmus Medical Center
Classification: Likely benign. Review status: no assertion criteria provided. Collection method: clinical testing. Allele origin: germline. Affected: yes. Study: VKGL Data-share Consensus. Not counted in ClinVar's aggregate classification.

Genome Diagnostics Laboratory, University Medical Center Utrecht
Classification: Likely benign. Review status: no assertion criteria provided. Collection method: clinical testing. Allele origin: germline. Affected: yes. Study: VKGL Data-share Consensus. Not counted in ClinVar's aggregate classification.

Literature cited by the submitters: PubMed 24825865 (cited by Women's Health and Genetics/Laboratory Corporation of America, LabCorp); PubMed 36155879 (cited by Women's Health and Genetics/Laboratory Corporation of America, LabCorp).

NM_004946.3(DOCK2):c.90G>C (p.Gln30His)

Gene: DOCK2 (dedicator of cytokinesis 2; plus strand). Cytogenetic location: 5q35.1.
Variant type: single nucleotide variant.
Coding change: c.90G>C on transcript NM_004946.3 (MANE Select); coding-DNA position 90, G replaced by C.
Protein change: p.Gln30His; replaces glutamine 30 with histidine.
Molecular consequence: missense variant. On other transcripts: non-coding transcript variant (1).
Genome position (GRCh38, 1-based): chr5:169,654,449, G>C. VCF-style: chr5-169654449-G-C. GRCh37 (hg19) VCF-style: chr5-169081453-G-C.
Other names: c.90G>C, p.Gln30His (LRG_1227t1); short protein forms Q30H.
Identifiers: ClinVar variation 542623 (VCV000542623.46), dbSNP rs141894939, ClinGen allele CA500027.